The following is an entry in ClinVar:

NM_000321.3(RB1):c.2693A>G (p.Gln898Arg)

Gene: RB1 (RB transcriptional corepressor 1; plus strand). Cytogenetic location: 13q14.2.
Variant type: single nucleotide variant.
Coding change: c.2693A>G on transcript NM_000321.3 (MANE Select); coding-DNA position 2693, A replaced by G.
Protein change: p.Gln898Arg; replaces glutamine 898 with arginine.
Molecular consequence: missense variant.
Genome position (GRCh38, 1-based): chr13:48,477,384, A>G. VCF-style: chr13-48477384-A-G. GRCh37 (hg19) VCF-style: chr13-49051520-A-G.
Other names: c.2693A>G, p.Gln898Arg (NM_001407165.1); c.143A>G, p.Gln48Arg (NM_001407168.1); short protein forms Q48R, Q898R.
Identifiers: ClinVar variation 4151204 (VCV004151204.1).
Genomic context (GRCh38, chr13:48,477,384, plus strand): 5'-ATGAAATGTTTTGCATTTTTTTAATCTGCAGTAAACATCTCCCAGGAGAGTCCAAATTTC[A>G]GCAGAAACTGGCAGAAATGAGTAAGTACTTTTTTCACCTTGTGTAAATGAAATAAACAAT-3'
Protein context (NP_000312.2, residues 888-908): SKHLPGESKF[Gln898Arg]QKLAEMTSTR

ClinVar aggregate classification (germline): Uncertain significance (1 of 4 stars; one submission).

Conditions:
Hereditary cancer-predisposing syndrome. Also called: Neoplastic Syndromes, Hereditary; Tumor predisposition; Hereditary Cancer Syndrome; Hereditary neoplastic syndrome. Identifiers: Orphanet 140162, MedGen C0027672, MeSH D009386, MONDO:0015356.

gnomAD v4.1: 1 of 1,609,836 alleles (0.000062%); highest among the groups gnomAD compares: South Asian, 0.0011%; no homozygotes.

Submission:

Ambry Genetics
Classification: Uncertain significance for Hereditary cancer-predisposing syndrome. Last evaluated: 2025-07-28. Review status: criteria provided, single submitter. Criteria: Ambry Variant Classification Scheme 2023. Collection method: clinical testing. Allele origin: germline.
Comment: The p.Q898R variant (also known as c.2693A>G), located in coding exon 26 of the RB1 gene, results from an A to G substitution at nucleotide position 2693. The glutamine at codon 898 is replaced by arginine, an amino acid with highly similar properties. This amino acid position is conserved. In addition, this alteration is predicted to be tolerated by in silico analysis. Based on the available evidence, the clinical significance of this variant remains unclear.